The following is an entry in ClinVar:

NM_000548.5(TSC2):c.4644G>T (p.Leu1548=)

Gene: TSC2 (TSC complex subunit 2; plus strand). Cytogenetic location: 16p13.3.
Variant type: single nucleotide variant.
Coding change: c.4644G>T on transcript NM_000548.5 (MANE Select); coding-DNA position 4644, G replaced by T.
Protein change: p.Leu1548=; no amino-acid change (leucine 1548 retained).
Molecular consequence: synonymous variant.
Genome position (GRCh38, 1-based): chr16:2,085,304, G>T. VCF-style: chr16-2085304-G-T. GRCh37 (hg19) VCF-style: chr16-2135305-G-T.
Other names: c.4443G>T, p.Leu1481= (NM_001077183.3); c.4575G>T, p.Leu1525= (NM_001114382.3); c.4335G>T, p.Leu1445= (NM_001318827.2); c.4299G>T, p.Leu1433= (NM_001318829.2); c.3912G>T, p.Leu1304= (NM_001318831.2); c.4476G>T, p.Leu1492= (NM_001318832.2); c.4446G>T, p.Leu1482= (NM_001363528.2); c.4512G>T, p.Leu1504= (NM_001370404.1); and 2 more.
Identifiers: ClinVar variation 1125473 (VCV001125473.11), dbSNP rs780071959, ClinGen allele CA052003.

ClinVar aggregate classification (germline): Benign/Likely benign. Review status: criteria provided, multiple submitters, no conflicts (2 of 4 stars). 3 submissions from 3 submitters: Benign (1); Likely benign (2). Last evaluated 2025-06-16.

Conditions:
Hereditary cancer-predisposing syndrome. Also called: Neoplastic Syndromes, Hereditary; Tumor predisposition; Hereditary Cancer Syndrome; Hereditary neoplastic syndrome. Identifiers: Orphanet 140162, MedGen C0027672, MeSH D009386, MONDO:0015356.
Tuberous sclerosis 2 (TSC2). Identifiers: Orphanet 805, MedGen C1860707, MONDO:0013199, OMIM 613254.

Allele frequency attached by ClinVar (database versions not stated): gnomAD exomes below 0.00001; ExAC 0.00001.
gnomAD v4.1: 2 of 1,612,734 alleles (0.00012%); highest among the groups gnomAD compares: Admixed American, 0.0017%; no homozygotes.

Submissions (3):

Labcorp Genetics (formerly Invitae), Labcorp
Classification: Likely benign for Tuberous sclerosis 2. Last evaluated: 2025-06-16. Review status: criteria provided, single submitter. Criteria: Invitae Variant Classification Sherloc (09022015). Collection method: clinical testing. Allele origin: germline.

Myriad Genetics, Inc.
Classification: Benign for Tuberous sclerosis 2. Last evaluated: 2025-06-04. Review status: criteria provided, single submitter. Criteria: Myriad Autosomal Dominant, Autosomal Recessive and X-Linked Classification Criteria (2023). Collection method: clinical testing. Allele origin: unknown.
Comment: This variant is considered benign. This variant is a silent/synonymous amino acid change and it is not expected to impact splicing.

Ambry Genetics
Classification: Likely benign for Hereditary cancer-predisposing syndrome. Last evaluated: 2024-06-09. Review status: criteria provided, single submitter. Criteria: Ambry Variant Classification Scheme 2023. Collection method: clinical testing. Allele origin: germline.